The following is an entry in ClinVar:

ClinVar aggregate classification (germline): Uncertain significance (1 of 4 stars; one submission).

Allele frequency attached by ClinVar (database versions not stated): ExAC 0.00001; gnomAD 0.00001; TOPMed below 0.00001.
gnomAD v4.1: 3 of 1,552,650 alleles (0.00019%); highest among the groups gnomAD compares: Non-Finnish European, 0.00027%; no homozygotes.

Submission:

Labcorp Genetics (formerly Invitae), Labcorp
Classification: Uncertain significance. Last evaluated: 2024-04-30. Review status: criteria provided, single submitter. Criteria: Invitae Variant Classification Sherloc (09022015). Collection method: clinical testing. Allele origin: germline.
Comment: This sequence change replaces lysine, which is basic and polar, with asparagine, which is neutral and polar, at codon 1098 of the ELP1 protein (p.Lys1098Asn). This variant is present in population databases (rs752025820, gnomAD 0.0009%). This variant has not been reported in the literature in individuals affected with ELP1-related conditions. ClinVar contains an entry for this variant (Variation ID: 1967347). Advanced modeling of protein sequence and biophysical properties (such as structural, functional, and spatial information, amino acid conservation, physicochemical variation, residue mobility, and thermodynamic stability) performed at Invitae indicates that this missense variant is expected to disrupt ELP1 protein function with a positive predictive value of 80%. In summary, the available evidence is currently insufficient to determine the role of this variant in disease. Therefore, it has been classified as a Variant of Uncertain Significance.

NM_003640.5(ELP1):c.3294A>C (p.Lys1098Asn)

Gene: ELP1 (elongator acetyltransferase complex subunit 1; minus strand). Cytogenetic location: 9q31.3.
Variant type: single nucleotide variant.
Coding change: c.3294A>C on transcript NM_003640.5 (MANE Select); coding-DNA position 3294, A replaced by C.
Protein change: p.Lys1098Asn; replaces lysine 1098 with asparagine.
Molecular consequence: missense variant.
Genome position (GRCh38, 1-based): chr9:108,881,757, T>G on the plus strand (A>C on the coding strand, the complement: ELP1 is on the minus strand). VCF-style: chr9-108881757-T-G. GRCh37 (hg19) VCF-style: chr9-111644037-T-G.
Other names: c.2952A>C, p.Lys984Asn (NM_001318360.2); c.2247A>C, p.Lys749Asn (NM_001330749.2); short protein forms K1098N, K984N, K749N.
Identifiers: ClinVar variation 1967347 (VCV001967347.4), dbSNP rs752025820, ClinGen allele CA5174348.
Genomic context (GRCh38, chr9:108,881,757, plus strand): 5'-ACCCTCACCTTCTAAAATGGAAGGCTTTACGTTGGTTTCTATAATATCCAGTCTGTTATA[T>G]TTGTATACCTAGAAGGAAAAACACAATAATTTTAGGAAGGAAAACTTCTAGTCACTGGAG-3'
Protein context (NP_003631.2, residues 1088-1108): AWEEALRLVY[Lys1098Asn]YNRLDIIETN